The following is an entry in ClinVar:

ClinVar aggregate classification (germline): Pathogenic/Likely pathogenic. Review status: criteria provided, multiple submitters, no conflicts (2 of 4 stars). 4 submissions from 4 submitters: Pathogenic (2); Likely pathogenic (1). 1 of the submissions does not count toward it. Last evaluated 2025-12-08.

Conditions:
Tuberous sclerosis syndrome (TSC). Also called: Tuberous Sclerosis Complex; Tuberous sclerosis. Identifiers: Orphanet 805, MedGen C0041341, MONDO:0001734.
Tuberous sclerosis 1 (TSC1). Identifiers: Orphanet 805, MedGen C1854465, MONDO:0008612, OMIM 191100.

Submissions (4):

3billion
Classification: Pathogenic for Tuberous sclerosis 1. Last evaluated: 2025-12-08. Review status: criteria provided, single submitter. Criteria: ACMG Guidelines, 2015. Collection method: clinical testing. Allele origin: germline. Affected: yes.
Comment: The variant is not observed in the gnomAD v4.1.0 dataset. Predicted Consequence/Location: Canonical splice site: predicted to alter splicing and result in a loss or disruption of normal protein function. Multiple pathogenic loss-of-function variants are reported downstream of the variant. In silico tools predict the variant to alter splicing and produce an abnormal transcript [SpliceAI: 0.95 (spliceogenicity >=0.2, non-spliceogenicity <0.1)]. The variant has been reported at least twice as pathogenic without evidence for the classification (ClinVar ID: VCV000064743). Therefore, this variant is classified as Pathogenic according to the recommendation of ACMG/AMP guideline.

Revvity Omics, Revvity
Classification: Pathogenic. Last evaluated: 2020-09-29. Review status: criteria provided, single submitter. Criteria: ACMG Guidelines, 2015. Collection method: clinical testing. Allele origin: germline.

Labcorp Genetics (formerly Invitae), Labcorp
Classification: Likely pathogenic for Tuberous sclerosis 1. Last evaluated: 2019-11-20. Review status: criteria provided, single submitter. Criteria: Invitae Variant Classification Sherloc (09022015). Collection method: clinical testing. Allele origin: germline.
Comment: In summary, the currently available evidence indicates that the variant is pathogenic, but additional data are needed to prove that conclusively. Therefore, this variant has been classified as Likely Pathogenic. Donor and acceptor splice site variants typically lead to a loss of protein function (PMID: 16199547), and loss-of-function variants in TSC1 are known to be pathogenic (PMID: 10227394, 17304050). This variant has been reported in individuals in the Leiden Open-source Variation Database (PMID: 21520333). ClinVar contains an entry for this variant (Variation ID: 64743). This variant is not present in population databases (ExAC no frequency). This sequence change affects an acceptor splice site in intron 14 of the TSC1 gene. It is expected to disrupt RNA splicing and likely results in an absent or disrupted protein product.

Tuberous sclerosis database (TSC1)
No classification provided. Condition: TSC. Review status: no classification provided. Criteria: Tuberous Sclerosis Database Assertion Criteria 2015. Collection method: curation. Allele origin: germline. Affected: yes. Not counted in ClinVar's aggregate classification.

Literature cited by the submitters: PubMed 16199547 (cited by Labcorp Genetics (formerly Invitae), Labcorp); PubMed 10227394 (cited by Labcorp Genetics (formerly Invitae), Labcorp); PubMed 17304050 (cited by Labcorp Genetics (formerly Invitae), Labcorp); PubMed 21520333 (cited by Labcorp Genetics (formerly Invitae), Labcorp).

NM_000368.5(TSC1):c.1439-1G>A

Gene: TSC1 (TSC complex subunit 1; minus strand). Cytogenetic location: 9q34.13.
Variant type: single nucleotide variant.
Coding change: c.1439-1G>A on transcript NM_000368.5 (MANE Select); the canonical splice acceptor site of the intron before coding-DNA position 1439, G replaced by A.
Molecular consequence: splice acceptor variant.
Genome position (GRCh38, 1-based): chr9:132,906,140, C>T on the plus strand (G>A on the coding strand, the complement: TSC1 is on the minus strand). VCF-style: chr9-132906140-C-T. GRCh37 (hg19) VCF-style: chr9-135781527-C-T.
Other names: c.1073-1G>A (NM_001406620.1, NM_001406625.1, NM_001406621.1 and 2 more transcripts); c.1076-1G>A (NM_001406618.1, NM_001406617.1, NM_001406619.1 and 5 more transcripts); c.1283-1G>A (NM_001406613.1, NM_001406612.1, NM_001406611.1); c.1286-1G>A (NM_001406610.1, NM_001162427.2); c.485-1G>A (NM_001406627.1, NM_001406628.1); c.386-1G>A (NM_001406629.1, NM_001406630.1); c.1436-1G>A (NM_001406603.1, NM_001406609.1, NM_001406597.1 and 6 more transcripts); c.1439-1G>A (NM_001406602.1, NM_001406606.1, NM_001406592.1 and 7 more transcripts); and 1 more.
Identifiers: ClinVar variation 64743 (VCV000064743.16), dbSNP rs397514804, ClinGen allele CA004817.